The following is an entry in ClinVar:

ClinVar aggregate classification (germline): Uncertain significance (1 of 4 stars; one submission).

Conditions:
Autosomal recessive limb-girdle muscular dystrophy type R18 (LGMDR18). Also called: Limb-girdle muscular dystrophy, type 2S; MUSCULAR DYSTROPHY, LIMB-GIRDLE, AUTOSOMAL RECESSIVE 18; Autosomal recessive limb-girdle muscular dystrophy type 2S. Identifiers: Orphanet 369840, MedGen C4517996, MONDO:0014144, OMIM 615356.

Allele frequency attached by ClinVar (database versions not stated): gnomAD exomes 0.00001 and 0.00002; TOPMed 0.00001; ExAC 0.00002.
gnomAD v4.1: 16 of 1,601,338 alleles (0.001%); highest among the groups gnomAD compares: Admixed American, 0.02%; no homozygotes.

Submission:

Labcorp Genetics (formerly Invitae), Labcorp
Classification: Uncertain significance for Autosomal recessive limb-girdle muscular dystrophy type R18. Last evaluated: 2025-08-21. Review status: criteria provided, single submitter. Criteria: Invitae Variant Classification Sherloc (09022015). Collection method: clinical testing. Allele origin: germline.
Comment: This sequence change replaces isoleucine, which is neutral and non-polar, with threonine, which is neutral and polar, at codon 882 of the TRAPPC11 protein (p.Ile882Thr). This variant is present in population databases (rs763006851, gnomAD 0.01%). This variant has not been reported in the literature in individuals affected with TRAPPC11-related conditions. ClinVar contains an entry for this variant (Variation ID: 943320). Invitae Evidence Modeling of protein sequence and biophysical properties (such as structural, functional, and spatial information, amino acid conservation, physicochemical variation, residue mobility, and thermodynamic stability) indicates that this missense variant is expected to disrupt TRAPPC11 protein function with a positive predictive value of 80%. In summary, the available evidence is currently insufficient to determine the role of this variant in disease. Therefore, it has been classified as a Variant of Uncertain Significance.

NM_021942.6(TRAPPC11):c.2645T>C (p.Ile882Thr)

Gene: TRAPPC11 (trafficking protein particle complex subunit 11; plus strand). Cytogenetic location: 4q35.1.
Variant type: single nucleotide variant.
Coding change: c.2645T>C on transcript NM_021942.6 (MANE Select); coding-DNA position 2645, T replaced by C.
Protein change: p.Ile882Thr; replaces isoleucine 882 with threonine.
Molecular consequence: missense variant.
Genome position (GRCh38, 1-based): chr4:183,697,519, T>C. VCF-style: chr4-183697519-T-C. GRCh37 (hg19) VCF-style: chr4-184618672-T-C.
Other names: c.2645T>C, p.Ile882Thr (NM_199053.3); short protein forms I882T.
Identifiers: ClinVar variation 943320 (VCV000943320.7), dbSNP rs763006851, ClinGen allele CA3152265.